The following is an entry in ClinVar:

ClinVar aggregate classification (germline): Pathogenic (1 of 4 stars; one submission).

Conditions:
TH-deficient dopa-responsive dystonia. Also called: Tyrosine Hydroxylase-Deficient Dopa-Responsive Dystonia; Segawa syndrome, autosomal recessive; DYT-TH. Identifiers: Orphanet 101150, MedGen C2673535, MONDO:0011551, OMIM 605407.

Submission:

Labcorp Genetics (formerly Invitae), Labcorp
Classification: Pathogenic for TH-deficient dopa-responsive dystonia. Last evaluated: 2024-03-19. Review status: criteria provided, single submitter. Criteria: Invitae Variant Classification Sherloc (09022015). Collection method: clinical testing. Allele origin: germline.
Comment: This sequence change creates a premature translational stop signal (p.Val112Glyfs*2) in the TH gene. It is expected to result in an absent or disrupted protein product. Loss-of-function variants in TH are known to be pathogenic (PMID: 22264700, 24753243). This variant is not present in population databases (gnomAD no frequency). This variant has not been reported in the literature in individuals affected with TH-related conditions. For these reasons, this variant has been classified as Pathogenic.

Literature cited by the submitters: PubMed 22264700; PubMed 24753243.

NM_000360.4(TH):c.242del (p.Val81fs)

Gene: TH (tyrosine hydroxylase; minus strand). Cytogenetic location: 11p15.5.
Variant type: Deletion.
Coding change: c.242del on transcript NM_000360.4 (MANE Select); coding-DNA position 242, one base deleted (T; older notation c.242delT).
Protein change: p.Val81fs; shifts the reading frame from valine 81.
Molecular consequence: frameshift variant.
Genome position (GRCh38, 1-based): chr11:2,169,720, A deleted on the plus strand (T on the coding strand, the reverse complement: TH is on the minus strand). VCF-style (leftmost placement, unchanged base first): chr11-2169719-CA-C. GRCh37 (hg19) VCF-style: chr11-2190949-CA-C.
Other names: c.335del, p.Val112fs (NM_199292.3); c.323del, p.Val108fs (NM_199293.3); short protein forms V108fs, V112fs, V81fs.
Identifiers: ClinVar variation 3646735 (VCV003646735.2).
Genomic context (GRCh38, chr11:2,169,719, plus strand): 5'-CTTCACAGCTCGGGACAGCGCCGAGGGCTTGGTGGCCCTCGGGGAGAAGAGCAGGTTTAG[CA>C]CGGCCTTCCCCTCCTTCTCCTCAAAGGCCACAGCCTCCAGGGGGTCCCCGGGCTCCGAGG-3'